The following is an entry in ClinVar:

NM_021930.6(RINT1):c.1447A>G (p.Met483Val)

Gene: RINT1 (RAD50 interactor 1; plus strand). Cytogenetic location: 7q22.3.
Variant type: single nucleotide variant.
Coding change: c.1447A>G on transcript NM_021930.6 (MANE Select); coding-DNA position 1447, A replaced by G.
Protein change: p.Met483Val; replaces methionine 483 with valine.
Molecular consequence: missense variant. On other transcripts: non-coding transcript variant (1).
Genome position (GRCh38, 1-based): chr7:105,551,683, A>G. VCF-style: chr7-105551683-A-G. GRCh37 (hg19) VCF-style: chr7-105192130-A-G.
Other names: c.1213A>G, p.Met405Val (NM_001346599.2); c.424A>G, p.Met142Val (NM_001346600.2, NM_001346603.2); c.523A>G, p.Met175Val (NM_001346601.2); short protein forms M483V, M142V, M405V, M175V.
Identifiers: ClinVar variation 224923 (VCV000224923.12), dbSNP rs869312982, ClinGen allele CA357839.

ClinVar aggregate classification (germline): Uncertain significance. Review status: criteria provided, multiple submitters, no conflicts (2 of 4 stars). 2 submissions from 2 submitters: Uncertain significance (2). Last evaluated 2025-05-19.

Allele frequency attached by ClinVar (database versions not stated): gnomAD exomes below 0.00001; TOPMed below 0.00001; gnomAD 0.00001.
gnomAD v4.1: 2 of 1,610,494 alleles (0.00012%); highest among the groups gnomAD compares: African/African-American, 0.0013%; no homozygotes.

Submissions (2):

Ambry Genetics
Classification: Uncertain significance. Last evaluated: 2025-05-19. Review status: criteria provided, single submitter. Criteria: Ambry Variant Classification Scheme 2023. Collection method: clinical testing. Allele origin: germline.
Comment: The p.M483V variant (also known as c.1447A>G), located in coding exon 10 of the RINT1 gene, results from an A to G substitution at nucleotide position 1447. The methionine at codon 483 is replaced by valine, an amino acid with highly similar properties. This amino acid position is conserved. In addition, the in silico prediction for this alteration is inconclusive. Based on the available evidence, the clinical significance of this variant remains unclear.

Labcorp Genetics (formerly Invitae), Labcorp
Classification: Uncertain significance. Last evaluated: 2015-10-27. Review status: criteria provided, single submitter. Criteria: Invitae Variant Classification Sherloc (09022015). Collection method: clinical testing. Allele origin: germline.
Comment: In summary, this is a novel missense change with uncertain impact on protein function. It has been classified as a Variant of Uncertain Significance. This variant is not present in population databases (ExAC no frequency) and has not been reported in the literature. Algorithms developed to predict the effect of missense changes on protein structure and function do not agree on the potential impact of this missense change (SIFT: "Deleterious"; PolyPhen-2: "Benign"; Align-GVGD: "Class C0"). This sequence change replaces methionine with valine at codon 483 of the RINT1 protein (p.Met483Val). The methionine residue is highly conserved and there is a small physicochemical difference between methionine and valine.